The following is an entry in ClinVar:

ClinVar aggregate classification (germline): Conflicting classifications of pathogenicity. Review status: criteria provided, conflicting classifications (1 of 4 stars). 3 submissions from 3 submitters: Uncertain significance (2); Likely benign (1). Last evaluated 2026-01-14.

Conditions:
Eichsfeld type congenital muscular dystrophy (CMYO3). Also called: MYOPATHY, SEPN1-RELATED; SELENON-related myopathy; Congenital myopathy 3 with rigid spine; Rigid spine muscular dystrophy 1. Identifiers: MedGen C0410180, MONDO:0100100, OMIM 602771.

Allele frequency attached by ClinVar (database versions not stated): ESP Exome Variant Server 0.00008; gnomAD exomes 0.00016 and 0.00019; ExAC 0.00017; gnomAD 0.00021 and 0.00022; TOPMed 0.00021.
gnomAD v4.1: 308 of 1,613,546 alleles (0.019%); highest among the groups gnomAD compares: Admixed American, 0.047%; no homozygotes.

Submissions (3):

Labcorp Genetics (formerly Invitae), Labcorp
Classification: Likely benign for Eichsfeld type congenital muscular dystrophy. Last evaluated: 2026-01-14. Review status: criteria provided, single submitter. Criteria: Invitae Variant Classification Sherloc (09022015). Collection method: clinical testing. Allele origin: germline.

Blueprint Genetics
Classification: Uncertain significance. Last evaluated: 2024-04-08. Review status: criteria provided, single submitter. Criteria: ACMG Guidelines, 2015. Collection method: clinical testing. Allele origin: germline.

GeneDx
Classification: Uncertain significance. Last evaluated: 2017-07-31. Review status: criteria provided, single submitter. Criteria: GeneDx Variant Classification (06012015). Collection method: clinical testing. Allele origin: germline. Affected: yes.
Comment: The c.1603-14 G>A variant has not been published as a pathogenic variant, nor has it been reported as a benign variant to our knowledge. The c.1603-14 G>A variant is observed in 13/66,592 (0.02%) alleles from individuals of European background (Lek et al., 2016; 1000 Genomes Consortium et al., 2015; Exome Variant Server). Multiple in-silico splice prediction models predict that c.1603-14 G>A creates a cryptic splice acceptor site which may supplant the natural splice acceptor site and lead to abnormal gene splicing. However, in the absence of RNA/functional studies, the actual effect of this sequence change on splicing is unknown.

NM_206926.2(SELENON):c.1501-14G>A

Gene: SELENON (selenoprotein N; plus strand). Cytogenetic location: 1p36.11.
Variant type: single nucleotide variant.
Coding change: c.1501-14G>A on transcript NM_206926.2 (MANE Select); 14 bases into the intron before coding-DNA position 1501, G replaced by A.
Molecular consequence: intron variant.
Genome position (GRCh38, 1-based): chr1:25,815,534, G>A. VCF-style: chr1-25815534-G-A. GRCh37 (hg19) VCF-style: chr1-26142025-G-A.
Other names: c.1603-14G>A (NM_020451.3).
Identifiers: ClinVar variation 450937 (VCV000450937.11), dbSNP rs370300935, ClinGen allele CA696955.
Genomic context (GRCh38, chr1:25,815,534, plus strand): 5'-CCCATAGAAGAGAGGGCACAGGGAGCCTGGGGGCCCCCCTCCGCCCCACTTGCCTCACCC[G>A]GCCCTTCTCCCAGGTCCATCACATCAATGCCAACTACTTCTTGGACATCACCTCCGTGAA-3'